The following is an entry in ClinVar:

NM_001378609.3(OTOGL):c.34C>A (p.Pro12Thr)

Gene: OTOGL (otogelin like; plus strand). Cytogenetic location: 12q21.31.
Variant type: single nucleotide variant.
Coding change: c.34C>A on transcript NM_001378609.3 (MANE Select); coding-DNA position 34, C replaced by A.
Protein change: p.Pro12Thr; replaces proline 12 with threonine.
Molecular consequence: missense variant.
Genome position (GRCh38, 1-based): chr12:80,209,465, C>A. VCF-style: chr12-80209465-C-A. GRCh37 (hg19) VCF-style: chr12-80603245-C-A.
Other names: c.34C>A, p.Pro12Thr (NM_001368062.3, NM_001378610.3, NM_173591.7); short protein forms P3T, P12T.
Identifiers: ClinVar variation 291136 (VCV000291136.23), dbSNP rs539100194, ClinGen allele CA6700040.

ClinVar aggregate classification (germline): Uncertain significance. Review status: criteria provided, multiple submitters, no conflicts (2 of 4 stars). 7 submissions from 7 submitters: Uncertain significance (7). Last evaluated 2024-12-20.

Conditions:
Autosomal recessive nonsyndromic hearing loss 84B. Also called: Deafness, autosomal recessive 84b. Identifiers: Orphanet 90636, MedGen C3554159, MONDO:0013984, OMIM 614944.
Inborn genetic diseases. Identifiers: MedGen C0950123, MeSH D030342.

Allele frequency attached by ClinVar (database versions not stated): TOPMed 0.00012; gnomAD exomes 0.00015; ExAC 0.00017; 1000 Genomes Project 30x 0.00031; 1000 Genomes Project 0.00040.
gnomAD v4.1: 290 of 1,514,172 alleles (0.019%); highest among the groups gnomAD compares: Non-Finnish European, 0.023%; no homozygotes.

Submissions (7):

GeneDx
Classification: Uncertain significance. Last evaluated: 2024-12-20. Review status: criteria provided, single submitter. Criteria: GeneDx Variant Classification Process June 2021. Collection method: clinical testing. Allele origin: germline. Affected: yes.
Comment: In silico analysis indicates that this missense variant does not alter protein structure/function; Has not been previously published as pathogenic or benign to our knowledge

Mayo Clinic Laboratories, Mayo Clinic
Classification: Uncertain significance. Last evaluated: 2024-07-24. Review status: criteria provided, single submitter. Criteria: ACMG Guidelines, 2015. Collection method: clinical testing. Allele origin: germline. Observed: 1 variant allele.
Comment: BP4, PM2

Labcorp Genetics (formerly Invitae), Labcorp
Classification: Uncertain significance. Last evaluated: 2022-05-07. Review status: criteria provided, single submitter. Criteria: Invitae Variant Classification Sherloc (09022015). Collection method: clinical testing. Allele origin: germline.
Comment: This sequence change replaces proline, which is neutral and non-polar, with threonine, which is neutral and polar, at codon 3 of the OTOGL protein (p.Pro3Thr). This variant is present in population databases (rs539100194, gnomAD 0.02%). This variant has not been reported in the literature in individuals affected with OTOGL-related conditions. ClinVar contains an entry for this variant (Variation ID: 291136). Algorithms developed to predict the effect of missense changes on protein structure and function (SIFT, PolyPhen-2, Align-GVGD) all suggest that this variant is likely to be tolerated. In summary, the available evidence is currently insufficient to determine the role of this variant in disease. Therefore, it has been classified as a Variant of Uncertain Significance.

Fulgent Genetics
Classification: Uncertain significance for Autosomal recessive nonsyndromic hearing loss 84B. Last evaluated: 2021-08-11. Review status: criteria provided, single submitter. Criteria: ACMG Guidelines, 2015. Collection method: clinical testing. Allele origin: unknown.

Laboratory for Molecular Medicine, Mass General Brigham Personalized Medicine
Classification: Uncertain significance. Last evaluated: 2017-12-21. Review status: criteria provided, single submitter. Criteria: LMM Criteria. Collection method: clinical testing. Allele origin: germline. Observed: 1 variant allele.
Comment: The p.Pro3Thr variant in OTOGL has not been previously reported in any individua l with hearing loss, but has been reported in an individual with unknown clinica l status in ClinVar (Variation ID 291136). It has also been identified in 12/486 50 European chromosomes by the Genome Aggregation Database (gnomAD; dbSNP rs539100194). Although this variant has been seen in the general population, its frequency is not high enough to rule out a pathogen ic role. Computational prediction tools and conservation analyses do not provide strong support for or against an impact to the protein. In summary, the clinica l significance of the p.Pro3Thr variant is uncertain. ACMG/AMP Criteria applied: None.

Eurofins Ntd Llc (ga)
Classification: Uncertain significance. Last evaluated: 2016-09-06. Review status: criteria provided, single submitter. Criteria: EGL Classification Definitions 2015. Collection method: clinical testing. Allele origin: germline. Observed: 1 variant allele, 1 heterozygote.

Ambry Genetics
Classification: Uncertain significance for Inborn genetic diseases. Last evaluated: 2016-02-22. Review status: criteria provided, single submitter. Criteria: Ambry exome assertion method (8-5-2015). Collection method: clinical testing. Allele origin: germline. Affected: yes. Observed: 1 variant allele.